The following is an entry in ClinVar:

NM_000179.3(MSH6):c.149G>A (p.Trp50Ter)

Gene: MSH6 (mutS homolog 6; plus strand). Cytogenetic location: 2p16.3.
Variant type: single nucleotide variant.
Coding change: c.149G>A on transcript NM_000179.3 (MANE Select); coding-DNA position 149, G replaced by A.
Protein change: p.Trp50Ter; replaces tryptophan 50 with a stop codon.
Molecular consequence: nonsense. On other transcripts: 5 prime UTR variant (7), missense variant (1), non-coding transcript variant (5), intron variant (5).
Genome position (GRCh38, 1-based): chr2:47,783,382, G>A. VCF-style: chr2-47783382-G-A. GRCh37 (hg19) VCF-style: chr2-48010521-G-A.
Other names: c.149G>A, p.Trp50Ter (NM_001281492.2, NM_001406795.1, NM_001406796.1 and 9 more transcripts); c.-588G>A (NM_001281493.2, NM_001406811.1); c.-180G>A (NM_001406799.1); c.94G>A, p.Gly32Arg (NM_001406804.1); c.-780G>A (NM_001406807.1); c.-435G>A (NM_001406812.1); c.-846G>A (NM_001406814.1); c.-391G>A (NM_001406816.1); and 3 more; short protein forms G32R, W50*.
Identifiers: ClinVar variation 4294155 (VCV004294155.1).

ClinVar aggregate classification (germline): Pathogenic (1 of 4 stars; one submission).

Conditions:
Lynch syndrome 5 (LYNCH5). Also called: Hereditary non-polyposis colorectal cancer, type 5; Colorectal cancer, hereditary nonpolyposis, type 5. Identifiers: Orphanet 144, MedGen C1833477, MONDO:0013710, OMIM 614350. Disease mechanism: loss of function.

Submission:

Myriad Genetics, Inc.
Classification: Pathogenic for Lynch syndrome 5. Last evaluated: 2025-08-20. Review status: criteria provided, single submitter. Criteria: Myriad Autosomal Dominant, Autosomal Recessive and X-Linked Classification Criteria (2023). Collection method: clinical testing. Allele origin: unknown.
Comment: This variant is considered pathogenic. This variant creates a termination codon and is predicted to result in premature protein truncation.